The following is an entry in ClinVar:

NM_001830.4(CLCN4):c.1621G>A (p.Glu541Lys)

Gene: CLCN4 (chloride voltage-gated channel 4; plus strand). Cytogenetic location: Xp22.2.
Variant type: single nucleotide variant.
Coding change: c.1621G>A on transcript NM_001830.4 (MANE Select); coding-DNA position 1621, G replaced by A.
Protein change: p.Glu541Lys; replaces glutamic acid 541 with lysine.
Molecular consequence: missense variant.
Genome position (GRCh38, 1-based): chrX:10,213,725, G>A. VCF-style: chrX-10213725-G-A. GRCh37 (hg19) VCF-style: chrX-10181765-G-A.
Other names: c.1339G>A, p.Glu447Lys (NM_001256944.2); short protein forms E447K, E541K.
Identifiers: ClinVar variation 4527186 (VCV004527186.1).

ClinVar aggregate classification (germline): Uncertain significance (1 of 4 stars; one submission).

Submission:

GeneDx
Classification: Uncertain significance. Last evaluated: 2025-04-23. Review status: criteria provided, single submitter. Criteria: GeneDx Variant Classification Process June 2021. Collection method: clinical testing. Allele origin: germline. Affected: yes.
Comment: Not observed at significant frequency in large population cohorts (gnomAD); In silico analysis supports that this missense variant has a deleterious effect on protein structure/function; Has not been previously published as pathogenic or benign to our knowledge